The following is an entry in ClinVar:

ClinVar aggregate classification (germline): Uncertain significance (1 of 4 stars; one submission).

Conditions:
Brody myopathy. Also called: BRODY DISEASE. Identifiers: Orphanet 53347, MedGen C1832918, MONDO:0010977, OMIM 601003.

gnomAD v4.1: 4 of 1,614,158 alleles (0.00025%); highest among the groups gnomAD compares: East Asian, 0.0089%; no homozygotes.

Submission:

Labcorp Genetics (formerly Invitae), Labcorp
Classification: Uncertain significance for Brody myopathy. Last evaluated: 2024-06-10. Review status: criteria provided, single submitter. Criteria: Invitae Variant Classification Sherloc (09022015). Collection method: clinical testing. Allele origin: germline.
Comment: This sequence change replaces valine, which is neutral and non-polar, with glutamic acid, which is acidic and polar, at codon 508 of the ATP2A1 protein (p.Val508Glu). This variant is present in population databases (rs747544959, gnomAD 0.006%). This variant has not been reported in the literature in individuals affected with ATP2A1-related conditions. An algorithm developed to predict the effect of missense changes on protein structure and function (PolyPhen-2) suggests that this variant is likely to be tolerated. In summary, the available evidence is currently insufficient to determine the role of this variant in disease. Therefore, it has been classified as a Variant of Uncertain Significance.

NM_004320.6(ATP2A1):c.1523T>A (p.Val508Glu)

Gene: ATP2A1 (ATPase sarcoplasmic/endoplasmic reticulum Ca2+ transporting 1; plus strand). Cytogenetic location: 16p11.2.
Variant type: single nucleotide variant.
Coding change: c.1523T>A on transcript NM_004320.6 (MANE Select); coding-DNA position 1523, T replaced by A.
Protein change: p.Val508Glu; replaces valine 508 with glutamic acid.
Molecular consequence: missense variant.
Genome position (GRCh38, 1-based): chr16:28,898,103, T>A. VCF-style: chr16-28898103-T-A. GRCh37 (hg19) VCF-style: chr16-28909424-T-A.
Other names: c.1148T>A, p.Val383Glu (NM_001286075.2); c.1523T>A, p.Val508Glu (NM_173201.5); short protein forms V508E, V383E.
Identifiers: ClinVar variation 3706125 (VCV003706125.2).
Genomic context (GRCh38, chr16:28,898,103, plus strand): 5'-CCCGAGACAGAAAGTCCATGTCTGTCTATTGCTCCCCAGCCAAATCTTCCCGGGCTGCTG[T>A]GGGCAACAAGATGTTTGTCAAGGTCAGAAATCGGAATGTGCCTCAGCCCCCTCTTCTTCC-3'
Protein context (NP_004311.1, residues 498-518): CSPAKSSRAA[Val508Glu]GNKMFVKGAP